The following is an entry in ClinVar:

NM_001201427.2(DAAM2):c.1790G>C (p.Arg597Pro)

Gene: DAAM2 (dishevelled associated activator of morphogenesis 2; plus strand). Cytogenetic location: 6p21.2.
Variant type: single nucleotide variant.
Coding change: c.1790G>C on transcript NM_001201427.2 (MANE Select); coding-DNA position 1790, G replaced by C.
Protein change: p.Arg597Pro; replaces arginine 597 with proline.
Molecular consequence: missense variant.
Genome position (GRCh38, 1-based): chr6:39,879,422, G>C. VCF-style: chr6-39879422-G-C. GRCh37 (hg19) VCF-style: chr6-39847198-G-C.
Other names: c.1790G>C, p.Arg597Pro (NM_015345.4); short protein forms R597P.
Identifiers: ClinVar variation 2399325 (VCV002399325.4), dbSNP rs181701991, ClinGen allele CA3795042.

ClinVar aggregate classification (germline): Uncertain significance. Review status: criteria provided, single submitter (1 of 4 stars). 2 submissions from 2 submitters: Uncertain significance (1). 1 of the submissions does not count toward it. Last evaluated 2021-07-13.

Conditions:
DAAM2-related disorder. Also called: DAAM2-related condition.
Inborn genetic diseases. Identifiers: MedGen C0950123, MeSH D030342.

Allele frequency attached by ClinVar (database versions not stated): ESP Exome Variant Server 0.00254; 1000 Genomes Project 0.00280; 1000 Genomes Project 30x 0.00328.
gnomAD v4.1: 750 of 1,613,810 alleles (0.046%); highest among the groups gnomAD compares: African/African-American, 0.79%; 6 homozygotes.

Submissions (2):

Ambry Genetics
Classification: Uncertain significance for Inborn genetic diseases. Last evaluated: 2021-07-13. Review status: criteria provided, single submitter. Criteria: Ambry Variant Classification Scheme 2023. Collection method: clinical testing. Allele origin: germline.

PreventionGenetics, part of Exact Sciences
Classification: Likely benign for DAAM2-related condition. Last evaluated: 2022-04-18. Review status: no assertion criteria provided. Collection method: clinical testing. Allele origin: germline. Not counted in ClinVar's aggregate classification.
Comment: This variant is classified as likely benign based on ACMG/AMP sequence variant interpretation guidelines (Richards et al. 2015 PMID: 25741868, with internal and published modifications).